The following is an entry in ClinVar:

NM_000417.3(IL2RA):c.427G>T (p.Val143Leu)

Gene: IL2RA (interleukin 2 receptor subunit alpha; minus strand). Cytogenetic location: 10p15.1.
Variant type: single nucleotide variant.
Coding change: c.427G>T on transcript NM_000417.3 (MANE Select); coding-DNA position 427, G replaced by T.
Protein change: p.Val143Leu; replaces valine 143 with leucine.
Molecular consequence: missense variant. On other transcripts: intron variant (2).
Genome position (GRCh38, 1-based): chr10:6,021,634, C>A on the plus strand (G>T on the coding strand, the complement: IL2RA is on the minus strand). VCF-style: chr10-6021634-C-A. GRCh37 (hg19) VCF-style: chr10-6063597-C-A.
Other names: c.368-2135G>T (NM_001308243.2); c.368-1693G>T (NM_001308242.2); short protein forms V143L.
Identifiers: ClinVar variation 1005381 (VCV001005381.4), dbSNP rs886047082, ClinGen allele CA375926661.

ClinVar aggregate classification (germline): Uncertain significance (1 of 4 stars; one submission).

Conditions:
Immunodeficiency due to CD25 deficiency. Also called: IMMUNODEFICIENCY 41 WITH LYMPHOPROLIFERATION AND AUTOIMMUNITY; IL2RA DEFICIENCY; CD25 DEFICIENCY. Identifiers: Orphanet 169100, MedGen C1853392, MONDO:0011664, OMIM 606367.

gnomAD v4.1: 1 of 1,614,120 alleles (0.000062%); highest among the groups gnomAD compares: Non-Finnish European, 0.000085%; no homozygotes.

Submission:

Labcorp Genetics (formerly Invitae), Labcorp
Classification: Uncertain significance for Immunodeficiency due to CD25 deficiency. Last evaluated: 2022-07-03. Review status: criteria provided, single submitter. Criteria: Invitae Variant Classification Sherloc (09022015). Collection method: clinical testing. Allele origin: germline.
Comment: In summary, the available evidence is currently insufficient to determine the role of this variant in disease. Therefore, it has been classified as a Variant of Uncertain Significance. Algorithms developed to predict the effect of missense changes on protein structure and function are either unavailable or do not agree on the potential impact of this missense change (SIFT: "Tolerated"; PolyPhen-2: "Possibly Damaging"; Align-GVGD: "Class C0"). ClinVar contains an entry for this variant (Variation ID: 1005381). This variant has not been reported in the literature in individuals affected with IL2RA-related conditions. This variant is not present in population databases (gnomAD no frequency). This sequence change replaces valine, which is neutral and non-polar, with leucine, which is neutral and non-polar, at codon 143 of the IL2RA protein (p.Val143Leu).